The following is an entry in ClinVar:

ClinVar aggregate classification (germline): Benign. Review status: criteria provided, multiple submitters, no conflicts (2 of 4 stars). 4 submissions from 4 submitters: Benign (3). 1 of the submissions does not count toward it. Last evaluated 2026-02-04.

Conditions:
Tyrosinemia type I (TYRSN1). Also called: Tyrosinemia type 1; Fumarylacetoacetase deficiency; HEPATORENAL TYROSINEMIA; Deficiency of fumarylacetoacetase; FAH DEFICIENCY. Identifiers: Orphanet 882, MedGen C0268490, MONDO:0010161, OMIM 276700. Disease mechanism: loss of function.

Allele frequency attached by ClinVar (database versions not stated): gnomAD exomes 0.00103 and 0.00364; gnomAD 0.00128 and 0.00161; TOPMed 0.00235; ExAC 0.00342; 1000 Genomes Project 30x 0.00578; 1000 Genomes Project 0.00619.
gnomAD v4.1: 1,786 of 1,602,394 alleles (0.11%); highest among the groups gnomAD compares: East Asian, 3.6%; 36 homozygotes.

Submissions (4):

Labcorp Genetics (formerly Invitae), Labcorp
Classification: Benign for Tyrosinemia type I. Last evaluated: 2026-02-04. Review status: criteria provided, single submitter. Criteria: Invitae Variant Classification Sherloc (09022015). Collection method: clinical testing. Allele origin: germline.

Mayo Clinic Laboratories, Mayo Clinic
Classification: Benign. Last evaluated: 2022-11-08. Review status: criteria provided, single submitter. Criteria: ACMG Guidelines, 2015. Collection method: clinical testing. Allele origin: germline. Observed: 4 variant alleles.
Comment: BA1, BP4, BP7

GeneDx
Classification: Benign. Last evaluated: 2016-04-12. Review status: criteria provided, single submitter. Criteria: GeneDx Variant Classification (06012015). Collection method: clinical testing. Allele origin: germline. Affected: yes.
Comment: This variant is considered likely benign or benign based on one or more of the following criteria: it is a conservative change, it occurs at a poorly conserved position in the protein, it is predicted to be benign by multiple in silico algorithms, and/or has population frequency not consistent with disease.

Natera, Inc.
Classification: Benign for Tyrosinemia type I. Last evaluated: 2020-09-16. Review status: no assertion criteria provided. Collection method: clinical testing. Allele origin: germline. Not counted in ClinVar's aggregate classification.

NM_000137.4(FAH):c.456-20C>T

Gene: FAH (fumarylacetoacetate hydrolase; plus strand). Cytogenetic location: 15q25.1.
Variant type: single nucleotide variant.
Coding change: c.456-20C>T on transcript NM_000137.4 (MANE Select); 20 bases into the intron before coding-DNA position 456, C replaced by T.
Molecular consequence: intron variant.
Genome position (GRCh38, 1-based): chr15:80,168,032, C>T. VCF-style: chr15-80168032-C-T. GRCh37 (hg19) VCF-style: chr15-80460374-C-T.
Other names: p.?; c.456-20C>T (NM_001374377.1, NM_001374380.1).
Identifiers: ClinVar variation 382956 (VCV000382956.12), dbSNP rs75021564, ClinGen allele CA7691186.